The following is an entry in ClinVar:

ClinVar aggregate classification (germline): Uncertain significance. Review status: criteria provided, multiple submitters, no conflicts (2 of 4 stars). 3 submissions from 3 submitters: Uncertain significance (3). Last evaluated 2024-07-04.

Conditions:
Hereditary cancer-predisposing syndrome. Also called: Tumor predisposition; Neoplastic Syndromes, Hereditary; Hereditary Cancer Syndrome; Hereditary neoplastic syndrome. Identifiers: Orphanet 140162, MedGen C0027672, MeSH D009386, MONDO:0015356.
Isolated focal cortical dysplasia type II (FCORD2). Also called: Focal cortical dysplasia type II; CORTICAL DYSPLASIA OF TAYLOR. Identifiers: Orphanet 268994, MedGen C1846385, MONDO:0011818, OMIM 607341, HP:0032051.
Tuberous sclerosis 1 (TSC1). Identifiers: Orphanet 805, MedGen C1854465, MONDO:0008612, OMIM 191100.
Lymphangiomyomatosis (LAM). Also called: Lymphangioleiomyomatosis, somatic; Lymphangioleiomyomatosis. Identifiers: Orphanet 538, MedGen C0751674, MONDO:0011705, OMIM 606690.

Submissions (3):

Ambry Genetics
Classification: Uncertain significance for Hereditary cancer-predisposing syndrome. Last evaluated: 2024-07-04. Review status: criteria provided, single submitter. Criteria: Ambry Variant Classification Scheme 2023. Collection method: clinical testing. Allele origin: germline.
Comment: The p.N818K variant (also known as c.2454C>G), located in coding exon 17 of the TSC1 gene, results from a C to G substitution at nucleotide position 2454. The asparagine at codon 818 is replaced by lysine, an amino acid with similar properties. This amino acid position is well conserved in available vertebrate species. In addition, this alteration is predicted to be tolerated by in silico analysis. Based on the available evidence, the clinical significance of this variant remains unclear.

Labcorp Genetics (formerly Invitae), Labcorp
Classification: Uncertain significance for Tuberous sclerosis 1. Last evaluated: 2023-10-20. Review status: criteria provided, single submitter. Criteria: Invitae Variant Classification Sherloc (09022015). Collection method: clinical testing. Allele origin: germline.
Comment: This sequence change replaces asparagine, which is neutral and polar, with lysine, which is basic and polar, at codon 818 of the TSC1 protein (p.Asn818Lys). This variant is not present in population databases (gnomAD no frequency). This variant has not been reported in the literature in individuals affected with TSC1-related conditions. ClinVar contains an entry for this variant (Variation ID: 1060894). Advanced modeling of protein sequence and biophysical properties (such as structural, functional, and spatial information, amino acid conservation, physicochemical variation, residue mobility, and thermodynamic stability) performed at Invitae indicates that this missense variant is not expected to disrupt TSC1 protein function. In summary, the available evidence is currently insufficient to determine the role of this variant in disease. Therefore, it has been classified as a Variant of Uncertain Significance.

Fulgent Genetics
Classification: Uncertain significance for Tuberous sclerosis 1; Lymphangiomyomatosis; Isolated focal cortical dysplasia type II. Last evaluated: 2021-10-27. Review status: criteria provided, single submitter. Criteria: ACMG Guidelines, 2015. Collection method: clinical testing. Allele origin: unknown.

NM_000368.5(TSC1):c.2454C>G (p.Asn818Lys)

Gene: TSC1 (TSC complex subunit 1; minus strand). Cytogenetic location: 9q34.13.
Variant type: single nucleotide variant.
Coding change: c.2454C>G on transcript NM_000368.5 (MANE Select); coding-DNA position 2454, C replaced by G.
Protein change: p.Asn818Lys; replaces asparagine 818 with lysine.
Molecular consequence: missense variant.
Genome position (GRCh38, 1-based): chr9:132,901,637, G>C on the plus strand (C>G on the coding strand, the complement: TSC1 is on the minus strand). VCF-style: chr9-132901637-G-C. GRCh37 (hg19) VCF-style: chr9-135777024-G-C.
Other names: c.2451C>G, p.Asn817Lys (NM_001162426.2); c.2301C>G, p.Asn767Lys (NM_001162427.2); c.2091C>G, p.Asn697Lys (NM_001362177.2); short protein forms N697K, N767K, N817K, N818K.
Identifiers: ClinVar variation 1060894 (VCV001060894.13), dbSNP rs1014587956, ClinGen allele CA200885153.
Genomic context (GRCh38, chr9:132,901,637, plus strand): 5'-ATTTCTTCTTACCTTTTGGGAAACCTGACTGAGCAGCAGCTCAGTGTGACACACCTTGTT[G>C]TTGGCCTTCTTCAGTTCTATCCGCAGCTCCGCAATCATGTTCCTGCAGTCCTCCAGCTTC-3'
Protein context (NP_000359.1, residues 808-828): AELRIELKKA[Asn818Lys]NKVCHTELLL